The following is an entry in ClinVar:

NM_130837.3(OPA1):c.3029C>T (p.Ala1010Val)

Gene: OPA1 (OPA1 mitochondrial dynamin like GTPase; plus strand). Cytogenetic location: 3q29.
Variant type: single nucleotide variant.
Coding change: c.3029C>T on transcript NM_130837.3 (MANE Select); coding-DNA position 3029, C replaced by T.
Protein change: p.Ala1010Val; replaces alanine 1010 with valine.
Molecular consequence: missense variant.
Genome position (GRCh38, 1-based): chr3:193,692,108, C>T. VCF-style: chr3-193692108-C-T. GRCh37 (hg19) VCF-style: chr3-193409897-C-T.
Other names: c.2495C>T, p.Ala832Val (NM_001354663.2); c.2492C>T, p.Ala831Val (NM_001354664.2); c.2864C>T, p.Ala955Val (NM_015560.3); c.2756C>T, p.Ala919Val (NM_130831.3); c.2810C>T, p.Ala937Val (NM_130832.3); c.2867C>T, p.Ala956Val (NM_130833.3); c.2918C>T, p.Ala973Val (NM_130834.3); c.2921C>T, p.Ala974Val (NM_130835.3); and 1 more; short protein forms A831V, A973V, A919V, A956V, A974V, A992V, A1010V, A832V.
Identifiers: ClinVar variation 2136749 (VCV002136749.5), dbSNP rs1449821560, ClinGen allele CA355873331.
Genomic context (GRCh38, chr3:193,692,108, plus strand): 5'-TTTTTATCTCCACAGAGAAAGTTAGAGAAATTCAAGAAAAACTTGATGCTTTCATTGAAG[C>T]TCTTCATCAGGAGAAATAAATTAAGTGAGTAAAAATTCTCTAACTGTATTGGTGCTGACT-3'
Protein context (NP_570850.2, residues 1000-1015): IQEKLDAFIE[Ala1010Val]LHQEK

ClinVar aggregate classification (germline): Uncertain significance. Review status: criteria provided, multiple submitters, no conflicts (2 of 4 stars). 2 submissions from 2 submitters: Uncertain significance (2). Last evaluated 2024-04-17.

Allele frequency attached by ClinVar (database versions not stated): gnomAD 0.00001; TOPMed 0.00001.

Submissions (2):

Labcorp Genetics (formerly Invitae), Labcorp
Classification: Uncertain significance. Last evaluated: 2024-04-17. Review status: criteria provided, single submitter. Criteria: Invitae Variant Classification Sherloc (09022015). Collection method: clinical testing. Allele origin: germline.
Comment: This sequence change replaces alanine, which is neutral and non-polar, with valine, which is neutral and non-polar, at codon 955 of the OPA1 protein (p.Ala955Val). This variant is not present in population databases (gnomAD no frequency). This variant has not been reported in the literature in individuals affected with OPA1-related conditions. ClinVar contains an entry for this variant (Variation ID: 2136749). Advanced modeling of protein sequence and biophysical properties (such as structural, functional, and spatial information, amino acid conservation, physicochemical variation, residue mobility, and thermodynamic stability) has been performed at Invitae for this missense variant, however the output from this modeling did not meet the statistical confidence thresholds required to predict the impact of this variant on OPA1 protein function. In summary, the available evidence is currently insufficient to determine the role of this variant in disease. Therefore, it has been classified as a Variant of Uncertain Significance.

Blueprint Genetics
Classification: Uncertain significance. Last evaluated: 2021-08-31. Review status: criteria provided, single submitter. Criteria: ACMG Guidelines, 2015. Collection method: clinical testing. Allele origin: germline.